The following is an entry in ClinVar:

NM_002025.4(AFF2):c.2914-15C>A

Gene: AFF2 (ALF transcription elongation factor 2; plus strand). Cytogenetic location: Xq28.
Variant type: single nucleotide variant.
Coding change: c.2914-15C>A on transcript NM_002025.4 (MANE Select); 15 bases into the intron before coding-DNA position 2914, C replaced by A.
Molecular consequence: intron variant.
Genome position (GRCh38, 1-based): chrX:148,966,775, C>A. VCF-style: chrX-148966775-C-A. GRCh37 (hg19) VCF-style: chrX-148048305-C-A.
Other names: c.2809-15C>A (NM_001169124.2, NM_001169122.2); c.2884-15C>A (NM_001169123.2); c.2797-15C>A (NM_001169125.2); c.1837-15C>A (NM_001170628.1).
Identifiers: ClinVar variation 930497 (VCV000930497.3), dbSNP rs1204837598, ClinGen allele CA872970883.
Genomic context (GRCh38, chrX:148,966,775, plus strand): 5'-ACATTCAAAGCATTTATGACAAGGTGTTTTAAAAAGCTGGACCTAATGGAAACTATTTGT[C>A]CTCCTTTTTCCCAGGAGGGAGACACTCCAAAAAAGGCATCCTCTGCCACCATCACTGTCA-3'

ClinVar aggregate classification (germline): Uncertain significance (1 of 4 stars; one submission).

Conditions:
FRAXE. Also called: Fragile XE syndrome; FRAXE Syndrome; FRAXE intellectual disability; Intellectual disability, X-linked, FRAXE type; Intellectual developmental disorder, X-linked 109. Identifiers: Orphanet 100973, MedGen C0751157, MONDO:0010659, OMIM 309548. Disease mechanism: loss of function.

gnomAD v4.1: 7 of 1,203,784 alleles (0.00058%); highest among the groups gnomAD compares: Non-Finnish European, 0.00078%; no homozygotes.

Submission:

Centre for Mendelian Genomics, University Medical Centre Ljubljana
Classification: Uncertain significance for FRAXE. Last evaluated: 2019-05-16. Review status: criteria provided, single submitter. Criteria: ACMG Guidelines, 2015. Collection method: clinical testing. Allele origin: unknown. Affected: yes.
Comment: This variant was classified as: Uncertain significance. The available evidence on this variant's pathogenicity is insufficient or conflicting. The following ACMG criteria were applied in classifying this variant: PM2,BP4. This variant was detected in hemizygous state.